The following is an entry in ClinVar:

ClinVar aggregate classification (germline): Uncertain significance (0 of 4 stars; one submission).

Submission:

Department of Pathology and Laboratory Medicine, Sinai Health System
Classification: Uncertain significance. Review status: no assertion criteria provided. Collection method: clinical testing. Allele origin: unknown. Affected: yes. Study: The Canadian Open Genetics Repository (COGR).
Comment: The HPS3 p.Cys944Gly variant was not identified in the literature nor was it identified in dbSNP, ClinVar or in the following control databases: the 1000 Genomes Project, the NHLBI GO Exome Sequencing Project, or the Genome Aggregation Database (March 6, 2019, v2.1.1). The p.Cys944 residue is conserved across mammals and other organisms, and four out of five computational analyses (PolyPhen-2, SIFT, AlignGVGD, BLOSUM, MutationTaster) suggest that the variant may impact the protein; however, this information is not predictive enough to assume pathogenicity. The variant occurs outside of the splicing consensus sequence and 2 of 4 in silico or computational prediction software programs (SpliceSiteFinder, MaxEntScan, NNSPLICE, GeneSplicer) predict a greater than 10% difference in splicing; this is not very predictive of pathogenicity. In summary, based on the above information the clinical significance of this variant cannot be determined with certainty at this time. This variant is classified as a variant of uncertain significance.

NM_032383.5(HPS3):c.2830T>G (p.Cys944Gly)

Genes: CP (ceruloplasmin; minus strand), HPS3 (HPS3 biogenesis of lysosomal organelles complex 2 subunit 1; plus strand). Cytogenetic location: 3q24.
Variant type: single nucleotide variant.
Coding change: c.2830T>G on transcript NM_032383.5 (MANE Select); coding-DNA position 2830, T replaced by G.
Protein change: p.Cys944Gly; replaces cysteine 944 with glycine.
Molecular consequence: missense variant.
Genome position (GRCh38, 1-based): chr3:149,167,926, T>G. VCF-style: chr3-149167926-T-G. GRCh37 (hg19) VCF-style: chr3-148885713-T-G.
Other names: c.2335T>G, p.Cys779Gly (NM_001308258.2); short protein forms C779G, C944G.
Identifiers: ClinVar variation 1049637 (VCV001049637.1), dbSNP rs2108187101, ClinGen allele CA354926380.